The following is an entry in ClinVar:

NM_015295.3(SMCHD1):c.2178_2179del (p.Glu728fs)

Gene: SMCHD1 (structural maintenance of chromosomes flexible hinge domain containing 1; plus strand). Cytogenetic location: 18p11.32.
Variant type: Deletion.
Coding change: c.2178_2179del on transcript NM_015295.3 (MANE Select); coding-DNA positions 2178 to 2179, 2 bases deleted (AG; older notation c.2178_2179delAG).
Protein change: p.Glu728fs; shifts the reading frame from glutamic acid 728.
Molecular consequence: frameshift variant.
Genome position (GRCh38, 1-based): chr18:2,707,838-2,707,839, AG deleted. VCF-style (leftmost placement, unchanged base first): chr18-2707837-AAG-A. GRCh37 (hg19) VCF-style: chr18-2707835-AAG-A.
Other names: short protein forms E728fs.
Identifiers: ClinVar variation 933781 (VCV000933781.7), dbSNP rs2074555124, ClinGen allele CA1139665943.

ClinVar aggregate classification (germline): Pathogenic (1 of 4 stars; one submission).

Conditions:
Facioscapulohumeral muscular dystrophy 2 (FSHD2). Also called: MUSCULAR DYSTROPHY, FACIOSCAPULOHUMERAL, TYPE 1B; FACIOSCAPULOHUMERAL MUSCULAR DYSTROPHY 2, DIGENIC; FSHD2, DIGENIC. Identifiers: Orphanet 269, MedGen C1834671, MONDO:0008031, OMIM 158901.

Submission:

Labcorp Genetics (formerly Invitae), Labcorp
Classification: Pathogenic for Facioscapulohumeral muscular dystrophy 2. Last evaluated: 2019-07-30. Review status: criteria provided, single submitter. Criteria: Invitae Variant Classification Sherloc (09022015). Collection method: clinical testing. Allele origin: germline.
Comment: For these reasons, this variant has been classified as Pathogenic. This sequence change creates a premature translational stop signal (p.Glu728Serfs*19) in the SMCHD1 gene. It is expected to result in an absent or disrupted protein product. This variant is not present in population databases (ExAC no frequency). This variant has not been reported in the literature in individuals with SMCHD1-related conditions. Loss-of-function variants in SMCHD1 are known to be pathogenic (PMID: 23143600).

Literature cited by the submitters: PubMed 23143600.